The following is an entry in ClinVar:

ClinVar aggregate classification (germline): Uncertain significance (1 of 4 stars; one submission).

Conditions:
Cardiomyopathy (CMYO). Also called: Cardiomyopathies. Identifiers: Orphanet 167848, MedGen C0878544, MONDO:0004994, HP:0001638. Inheritance: Various modes of inheritance.

Submission:

Color Diagnostics, LLC DBA Color Health
Classification: Uncertain significance for Cardiomyopathy. Last evaluated: 2019-11-15. Review status: criteria provided, single submitter. Criteria: ACMG Guidelines, 2015. Collection method: clinical testing. Allele origin: germline.
Comment: This variant causes an insertion of one amino acid in the extracellular cadherin domain of the DSG2 protein. To our knowledge, functional studies have not been performed for this variant. Splice site prediction tools suggest that this variant may not impact RNA splicing. This variant has not been reported in individuals affected with cardiovascular disorders in the literature. This variant has not been identified in the general population by the Genome Aggregation Database (gnomAD). The available evidence is insufficient to determine the role of this variant in disease conclusively. Therefore, this variant is classified as a Variant of Uncertain Significance.

NM_001943.5(DSG2):c.813delinsCATT (p.Val271_Val272insIle)

Gene: DSG2 (desmoglein 2; plus strand). Cytogenetic location: 18q12.1.
Variant type: Indel.
Coding change: c.813delinsCATT on transcript NM_001943.5 (MANE Select); coding-DNA position 813, A replaced by CATT.
Protein change: p.Val271_Val272insIle.
Molecular consequence: inframe insertion.
Genome position (GRCh38, 1-based): chr18:31,524,570, A replaced by CATT. VCF-style: chr18-31524570-A-CATT. GRCh37 (hg19) VCF-style: chr18-29104533-A-CATT.
Identifiers: ClinVar variation 922255 (VCV000922255.3), dbSNP rs2073149797, ClinGen allele CA1139666006.
Genomic context (GRCh38, chr18:31,524,570, plus strand): 5'-ACCTGTAAAACAAGCTCAAGTTCAGATTCGTATTTTGGATGTCAATGACAATATACCTGT[A>CATT]GTAGAAAATAAAGTGGTAACTATTATTCTTCTAATAACTGTACCTATTTATTTATATTTC-3'